The following is an entry in ClinVar:

NM_000069.3(CACNA1S):c.3776C>T (p.Thr1259Met)

Gene: CACNA1S (calcium voltage-gated channel subunit alpha1 S; minus strand). Cytogenetic location: 1q32.1.
Variant type: single nucleotide variant.
Coding change: c.3776C>T on transcript NM_000069.3 (MANE Select); coding-DNA position 3776, C replaced by T.
Protein change: p.Thr1259Met; replaces threonine 1259 with methionine.
Molecular consequence: missense variant.
Genome position (GRCh38, 1-based): chr1:201,053,478, G>A on the plus strand (C>T on the coding strand, the complement: CACNA1S is on the minus strand). VCF-style: chr1-201053478-G-A. GRCh37 (hg19) VCF-style: chr1-201022606-G-A.
Other names: short protein forms T1259M.
Identifiers: ClinVar variation 1415604 (VCV001415604.5), dbSNP rs376326495, ClinGen allele CA344154285.

ClinVar aggregate classification (germline): Uncertain significance (1 of 4 stars; one submission).

Conditions:
Hypokalemic periodic paralysis, type 1. Also called: Hypokalemic Periodic Paralysis Type 1 (AD); HypoPP. Identifiers: Orphanet 681, MedGen C3714580, MONDO:0042979, OMIM 170400.
Malignant hyperthermia, susceptibility to, 5 (MHS5). Also called: CACNA1S-Related Malignant Hyperthermia Susceptibility. Identifiers: Orphanet 423, MedGen C1866077, MONDO:0011163, OMIM 601887.

gnomAD v4.1: 9 of 1,614,016 alleles (0.00056%); highest among the groups gnomAD compares: Non-Finnish European, 0.00068%; no homozygotes.

Submission:

Labcorp Genetics (formerly Invitae), Labcorp
Classification: Uncertain significance for Hypokalemic periodic paralysis, type 1; Malignant hyperthermia, susceptibility to, 5. Last evaluated: 2024-05-14. Review status: criteria provided, single submitter. Criteria: Invitae Variant Classification Sherloc (09022015). Collection method: clinical testing. Allele origin: germline.
Comment: This sequence change replaces threonine, which is neutral and polar, with methionine, which is neutral and non-polar, at codon 1259 of the CACNA1S protein (p.Thr1259Met). This variant is present in population databases (no rsID available, gnomAD 0.007%). This variant has not been reported in the literature in individuals affected with CACNA1S-related conditions. ClinVar contains an entry for this variant (Variation ID: 1415604). Advanced modeling of protein sequence and biophysical properties (such as structural, functional, and spatial information, amino acid conservation, physicochemical variation, residue mobility, and thermodynamic stability) performed at Invitae indicates that this missense variant is expected to disrupt CACNA1S protein function with a positive predictive value of 80%. In summary, the available evidence is currently insufficient to determine the role of this variant in disease. Therefore, it has been classified as a Variant of Uncertain Significance.